The following is an entry in ClinVar:

NM_001159773.2(CANT1):c.511A>T (p.Ile171Phe)

Gene: CANT1 (calcium activated nucleotidase 1; minus strand). Cytogenetic location: 17q25.3.
Variant type: single nucleotide variant.
Coding change: c.511A>T on transcript NM_001159773.2 (MANE Select); coding-DNA position 511, A replaced by T.
Protein change: p.Ile171Phe; replaces isoleucine 171 with phenylalanine.
Molecular consequence: missense variant.
Genome position (GRCh38, 1-based): chr17:78,997,112, T>A on the plus strand (A>T on the coding strand, the complement: CANT1 is on the minus strand). VCF-style: chr17-78997112-T-A. GRCh37 (hg19) VCF-style: chr17-76993194-T-A.
Other names: c.511A>T, p.Ile171Phe (NM_001159772.2, NM_138793.4); short protein forms I171F.
Identifiers: ClinVar variation 441248 (VCV000441248.10), dbSNP rs1014317450, ClinGen allele CA294812355.

ClinVar aggregate classification (germline): Likely pathogenic. Review status: criteria provided, single submitter (1 of 4 stars). 3 submissions from 3 submitters: Likely pathogenic (1). 2 of the submissions do not count toward it. Last evaluated 2024-10-14.

Conditions:
Multiple epiphyseal dysplasia. Also called: Multiple epiphyseal dysplasia (disease). Identifiers: Orphanet 251, MedGen C0026760, MONDO:0016648, HP:0002654.
Epiphyseal dysplasia, multiple, 7. Identifiers: Orphanet 647676, MedGen C4540251, MONDO:0054680, OMIM 617719.

Allele frequency attached by ClinVar (database versions not stated): gnomAD exomes 0.00001.

Submissions (3):

Labcorp Genetics (formerly Invitae), Labcorp
Classification: Likely pathogenic. Last evaluated: 2024-10-14. Review status: criteria provided, single submitter. Criteria: Invitae Variant Classification Sherloc (09022015). Collection method: clinical testing. Allele origin: germline.
Comment: This sequence change replaces isoleucine, which is neutral and non-polar, with phenylalanine, which is neutral and non-polar, at codon 171 of the CANT1 protein (p.Ile171Phe). This variant is present in population databases (no rsID available, gnomAD 0.006%). This missense change has been observed in individual(s) with multiple epiphyseal dysplasia (PMID: 28742282). It has also been observed to segregate with disease in related individuals. ClinVar contains an entry for this variant (Variation ID: 441248). Invitae Evidence Modeling of protein sequence and biophysical properties (such as structural, functional, and spatial information, amino acid conservation, physicochemical variation, residue mobility, and thermodynamic stability) indicates that this missense variant is expected to disrupt CANT1 protein function with a positive predictive value of 95%. In summary, the currently available evidence indicates that the variant is pathogenic, but additional data are needed to prove that conclusively. Therefore, this variant has been classified as Likely Pathogenic.

OMIM
Classification: Pathogenic for EPIPHYSEAL DYSPLASIA, MULTIPLE, 7. Last evaluated: 2017-10-12. Review status: no assertion criteria provided. Collection method: literature only. Allele origin: germline. Not counted in ClinVar's aggregate classification.

University of Washington Center for Mendelian Genomics, University of Washington
Classification: Likely pathogenic for Multiple Epiphyseal Dysplasia. Review status: no assertion criteria provided. Collection method: research. Allele origin: inherited. Affected: yes. Not counted in ClinVar's aggregate classification.

Literature cited by the submitters: PubMed 28742282 (cited by 3 submitters).